The following is an entry in ClinVar:

ClinVar aggregate classification (germline): Uncertain significance (1 of 4 stars; one submission).

Allele frequency attached by ClinVar (database versions not stated): gnomAD 0.00001; gnomAD exomes 0.00001.
gnomAD v4.1: 13 of 1,612,442 alleles (0.00081%); highest among the groups gnomAD compares: South Asian, 0.0044%; no homozygotes.

Submission:

Labcorp Genetics (formerly Invitae), Labcorp
Classification: Uncertain significance. Last evaluated: 2023-12-21. Review status: criteria provided, single submitter. Criteria: Invitae Variant Classification Sherloc (09022015). Collection method: clinical testing. Allele origin: germline.
Comment: This sequence change replaces isoleucine, which is neutral and non-polar, with valine, which is neutral and non-polar, at codon 2292 of the HMCN1 protein (p.Ile2292Val). This variant is present in population databases (no rsID available, gnomAD 0.003%). This variant has not been reported in the literature in individuals affected with HMCN1-related conditions. An algorithm developed to predict the effect of missense changes on protein structure and function (PolyPhen-2) suggests that this variant is likely to be tolerated. In summary, the available evidence is currently insufficient to determine the role of this variant in disease. Therefore, it has been classified as a Variant of Uncertain Significance.

NM_031935.3(HMCN1):c.6874A>G (p.Ile2292Val)

Gene: HMCN1 (hemicentin 1; plus strand). Cytogenetic location: 1q31.1.
Variant type: single nucleotide variant.
Coding change: c.6874A>G on transcript NM_031935.3 (MANE Select); coding-DNA position 6874, A replaced by G.
Protein change: p.Ile2292Val; replaces isoleucine 2292 with valine.
Molecular consequence: missense variant.
Genome position (GRCh38, 1-based): chr1:186,055,404, A>G. VCF-style: chr1-186055404-A-G. GRCh37 (hg19) VCF-style: chr1-186024536-A-G.
Other names: short protein forms I2292V.
Identifiers: ClinVar variation 2878014 (VCV002878014.3), dbSNP rs1309707539, ClinGen allele CA343901745.